The following is an entry in ClinVar:

ClinVar aggregate classification (germline): Uncertain significance (1 of 4 stars; one submission).

Conditions:
Inborn genetic diseases. Identifiers: MedGen C0950123, MeSH D030342.

Submission:

Ambry Genetics
Classification: Uncertain significance for Inborn genetic diseases. Last evaluated: 2025-03-28. Review status: criteria provided, single submitter. Criteria: Ambry Variant Classification Scheme 2023. Collection method: clinical testing. Allele origin: germline.
Comment: The p.K163Q variant (also known as c.487A>C), located in coding exon 7 of the ASXL1 gene, results from an A to C substitution at nucleotide position 487. The lysine at codon 163 is replaced by glutamine, an amino acid with similar properties. This amino acid position is conserved. In addition, this alteration is predicted to be tolerated by in silico analysis. Based on the available evidence, the clinical significance of this variant remains unclear.

NM_015338.6(ASXL1):c.487A>C (p.Lys163Gln)

Gene: ASXL1 (ASXL transcriptional regulator 1; plus strand). Cytogenetic location: 20q11.21.
Variant type: single nucleotide variant.
Coding change: c.487A>C on transcript NM_015338.6 (MANE Select); coding-DNA position 487, A replaced by C.
Protein change: p.Lys163Gln; replaces lysine 163 with glutamine.
Molecular consequence: missense variant.
Genome position (GRCh38, 1-based): chr20:32,429,353, A>C. VCF-style: chr20-32429353-A-C. GRCh37 (hg19) VCF-style: chr20-31017156-A-C.
Other names: c.457A>C, p.Lys153Gln (NM_001363734.1); short protein forms K163Q, K153Q.
Identifiers: ClinVar variation 3955303 (VCV003955303.1).